The following is an entry in ClinVar:

ClinVar aggregate classification (germline): Pathogenic. Review status: criteria provided, multiple submitters, no conflicts (2 of 4 stars). 5 submissions from 5 submitters: Pathogenic (5). Last evaluated 2025-09-02.

Conditions:
SURF1-related disorder. Also called: SURF1-related condition.
Mitochondrial complex IV deficiency, nuclear type 1 (MC4DN1). Also called: Complex 4 mitochondrial respiratory chain deficiency; Deficiency of mitochondrial respiratory chain complex4; Complex IV deficiency; COX DEFICIENCY; Mitochondrial complex IV deficiency. Identifiers: MedGen C5435656, MONDO:0700250, OMIM 220110. Disease mechanism: loss of function.
Charcot-Marie-Tooth disease type 4K. Also called: CHARCOT-MARIE-TOOTH DISEASE, DEMYELINATING, TYPE 4K; CHARCOT-MARIE-TOOTH DISEASE, DEMYELINATING, AUTOSOMAL RECESSIVE, TYPE 4K; CHARCOT-MARIE-TOOTH NEUROPATHY, DEMYELINATING, AUTOSOMAL RECESSIVE, TYPE 4K. Identifiers: Orphanet 391351, MedGen C4225246, MONDO:0014733, OMIM 616684.
Leigh syndrome (NULS). Also called: Subacute necrotizing encephalopathy; Necrotizing encephalopathy infantile subacute of Leigh; LEIGH SYNDROME, NUCLEAR; Leigh Disease; Leigh's necrotizing encephalopathy; Leigh's disease. Identifiers: Orphanet 506, MedGen C2931891, MONDO:0009723, OMIM 256000.

Allele frequency attached by ClinVar (database versions not stated): gnomAD exomes below 0.00001 and 0.00001; gnomAD 0.00001 and 0.00002; ExAC 0.00002; TOPMed 0.00002; ESP Exome Variant Server 0.00008.
gnomAD v4.1: 5 of 1,613,478 alleles (0.00031%); highest among the groups gnomAD compares: African/African-American, 0.0067%; no homozygotes.

Submissions (6):

Labcorp Genetics (formerly Invitae), Labcorp
Classification: Pathogenic for Leigh syndrome. Last evaluated: 2025-09-02. Review status: criteria provided, single submitter. Criteria: Invitae Variant Classification Sherloc (09022015). Collection method: clinical testing. Allele origin: germline.
Comment: This sequence change creates a premature translational stop signal (p.Gln196*) in the SURF1 gene. It is expected to result in an absent or disrupted protein product. Loss-of-function variants in SURF1 are known to be pathogenic (PMID: 10443880, 22488715, 24027061). This variant is present in population databases (rs147816470, gnomAD 0.007%). This premature translational stop signal has been observed in individual(s) with Charcot-Marie-Tooth disease (PMID: 26257172). ClinVar contains an entry for this variant (Variation ID: 243077). Algorithms developed to predict the effect of sequence changes on RNA splicing suggest that this variant may disrupt the consensus splice site. For these reasons, this variant has been classified as Pathogenic.

Greenwood Genetic Center Diagnostic Laboratories, Greenwood Genetic Center
Classification: Pathogenic for SURF1-related disorder. Last evaluated: 2024-01-09. Review status: criteria provided, single submitter. Criteria: ACMG Guidelines, 2015. Collection method: clinical testing. Allele origin: germline. Affected: yes.
Comment: PVS1, PS3, PM2, PM3

Fulgent Genetics
Classification: Pathogenic for Mitochondrial complex IV deficiency, nuclear type 1; Charcot-Marie-Tooth disease type 4K. Last evaluated: 2024-01-03. Review status: criteria provided, single submitter. Criteria: ACMG Guidelines, 2015. Collection method: clinical testing. Allele origin: germline.

GeneDx
Classification: Pathogenic. Last evaluated: 2023-08-01. Review status: criteria provided, single submitter. Criteria: GeneDx Variant Classification Process June 2021. Collection method: clinical testing. Allele origin: germline. Affected: yes.
Comment: Nonsense variant predicted to result in protein truncation or nonsense mediated decay in a gene for which loss-of-function is a known mechanism of disease; Identified by whole exome sequencing in the presence of a second variant in SURF1 in a patient with Leigh syndrome and demyelinating peripheral neuropathy (Gonzaga-Jauregui et al., 2015); Published functional studies demonstrate a damaging effect including undetectable levels of SURF1 protein by western blot and inhibition of complex IV assembly (Li et al., 2018); Not observed at a significant frequency in large population cohorts (gnomAD); This variant is associated with the following publications: (PMID: 26257172, 29933018)

Lupski Lab, Baylor-Hopkins CMG, Baylor College of Medicine
Classification: Pathogenic for Leigh syndrome. Last evaluated: 2015-08-18. Review status: criteria provided, single submitter. Criteria: Gonzaga-Jauregui et al. (Cell Rep. 2015). Collection method: research. Allele origin: germline. Inheritance: Autosomal recessive inheritance. Affected: yes. Observed: 1 variant allele, 1 heterozygote.
Comment: This variant is predicted deleterious according to ACMG guidelines. Parents were not available for segregation; however, given the similarity of the phenotypic presentation to that reported in the literature, it is likely that two variants in SURF1 are causing the phenotype in this individual.

Dr. Peter K. Rogan Lab, Western University
No classification provided (evidence only). Condition: Hepatocellular carcinoma. Review status: no classification provided. Collection method: in vitro. Allele origin: not applicable. Functional consequence: skipped exon, retained intron. Not counted in ClinVar's aggregate classification.

Literature cited by the submitters: PubMed 10443880 (cited by Labcorp Genetics (formerly Invitae), Labcorp); PubMed 22488715 (cited by Labcorp Genetics (formerly Invitae), Labcorp); PubMed 24027061 (cited by Labcorp Genetics (formerly Invitae), Labcorp); PubMed 26257172 (cited by Labcorp Genetics (formerly Invitae), Labcorp).

NM_003172.4(SURF1):c.586C>T (p.Gln196Ter)

Gene: SURF1 (SURF1 cytochrome c oxidase assembly factor; minus strand). Cytogenetic location: 9q34.2.
Variant type: single nucleotide variant.
Coding change: c.586C>T on transcript NM_003172.4 (MANE Select); coding-DNA position 586, C replaced by T.
Protein change: p.Gln196Ter; replaces glutamine 196 with a stop codon.
Molecular consequence: nonsense.
Genome position (GRCh38, 1-based): chr9:133,352,696, G>A on the plus strand (C>T on the coding strand, the complement: SURF1 is on the minus strand). VCF-style: chr9-133352696-G-A. GRCh37 (hg19) VCF-style: chr9-136219551-G-A.
Other names: c.259C>T, p.Gln87Ter (NM_001280787.1); short protein forms Q196*, Q87*.
Identifiers: ClinVar variation 243077 (VCV000243077.10), dbSNP rs147816470, ClinGen allele CA10584085.